The following is an entry in ClinVar:

NM_001844.5(COL2A1):c.4397C>A (p.Ala1466Glu)

Gene: COL2A1 (collagen type II alpha 1 chain; minus strand). Cytogenetic location: 12q13.11.
Variant type: single nucleotide variant.
Coding change: c.4397C>A on transcript NM_001844.5 (MANE Select); coding-DNA position 4397, C replaced by A.
Protein change: p.Ala1466Glu; replaces alanine 1466 with glutamic acid.
Molecular consequence: missense variant.
Genome position (GRCh38, 1-based): chr12:47,973,474, G>T on the plus strand (C>A on the coding strand, the complement: COL2A1 is on the minus strand). VCF-style: chr12-47973474-G-T. GRCh37 (hg19) VCF-style: chr12-48367257-G-T.
Other names: c.4190C>A, p.Ala1397Glu (NM_033150.3); short protein forms A1397E, A1466E.
Identifiers: ClinVar variation 1002508 (VCV001002508.8), dbSNP rs1938536335, ClinGen allele CA384533207.

ClinVar aggregate classification (germline): Uncertain significance (1 of 4 stars; one submission).

Submission:

Labcorp Genetics (formerly Invitae), Labcorp
Classification: Uncertain significance. Last evaluated: 2020-09-21. Review status: criteria provided, single submitter. Criteria: Invitae Variant Classification Sherloc (09022015). Collection method: clinical testing. Allele origin: germline.
Comment: In summary, the available evidence is currently insufficient to determine the role of this variant in disease. Therefore, it has been classified as a Variant of Uncertain Significance. Advanced modeling of protein sequence and biophysical properties (such as structural, functional, and spatial information, amino acid conservation, physicochemical variation, residue mobility, and thermodynamic stability) performed at Invitae indicates that this missense variant is not expected to disrupt COL2A1 protein function. This variant has not been reported in the literature in individuals with COL2A1-related conditions. This variant is not present in population databases (ExAC no frequency). This sequence change replaces alanine with glutamic acid at codon 1466 of the COL2A1 protein (p.Ala1466Glu). The alanine residue is highly conserved and there is a moderate physicochemical difference between alanine and glutamic acid.